The following is an entry in ClinVar:

NM_014159.7(SETD2):c.544A>G (p.Thr182Ala)

Gene: SETD2 (SET domain containing 2, histone lysine methyltransferase; minus strand). Cytogenetic location: 3p21.31.
Variant type: single nucleotide variant.
Coding change: c.544A>G on transcript NM_014159.7 (MANE Select); coding-DNA position 544, A replaced by G.
Protein change: p.Thr182Ala; replaces threonine 182 with alanine.
Molecular consequence: missense variant. On other transcripts: non-coding transcript variant (1).
Genome position (GRCh38, 1-based): chr3:47,124,092, T>C on the plus strand (A>G on the coding strand, the complement: SETD2 is on the minus strand). VCF-style: chr3-47124092-T-C. GRCh37 (hg19) VCF-style: chr3-47165582-T-C.
Other names: c.412A>G, p.Thr138Ala (NM_001349370.3); short protein forms T182A, T138A.
Identifiers: ClinVar variation 4749254 (VCV004749254.1).

ClinVar aggregate classification (germline): Uncertain significance (1 of 4 stars; one submission).

Conditions:
Luscan-Lumish syndrome. Identifiers: Orphanet 597738, MedGen C4085873, MONDO:0014791, OMIM 616831.

gnomAD v4.1: 11 of 1,551,674 alleles (0.00071%); highest among the groups gnomAD compares: South Asian, 0.0012%; no homozygotes.

Submission:

Labcorp Genetics (formerly Invitae), Labcorp
Classification: Uncertain significance for Luscan-Lumish syndrome. Last evaluated: 2025-07-28. Review status: criteria provided, single submitter. Criteria: Invitae Variant Classification Sherloc (09022015). Collection method: clinical testing. Allele origin: germline.
Comment: This sequence change replaces threonine, which is neutral and polar, with alanine, which is neutral and non-polar, at codon 182 of the SETD2 protein (p.Thr182Ala). This variant is present in population databases (no rsID available, gnomAD 0.007%). This variant has not been reported in the literature in individuals affected with SETD2-related conditions. An algorithm developed to predict the effect of missense changes on protein structure and function (PolyPhen-2) suggests that this variant is likely to be tolerated. In summary, the available evidence is currently insufficient to determine the role of this variant in disease. Therefore, it has been classified as a Variant of Uncertain Significance.